The following is an entry in ClinVar:

NM_024577.4(SH3TC2):c.790G>C (p.Gly264Arg)

Gene: SH3TC2 (SH3 domain and tetratricopeptide repeats 2; minus strand). Cytogenetic location: 5q32.
Variant type: single nucleotide variant.
Coding change: c.790G>C on transcript NM_024577.4 (MANE Select); coding-DNA position 790, G replaced by C.
Protein change: p.Gly264Arg; replaces glycine 264 with arginine.
Molecular consequence: missense variant.
Genome position (GRCh38, 1-based): chr5:149,040,619, C>G on the plus strand (G>C on the coding strand, the complement: SH3TC2 is on the minus strand). VCF-style: chr5-149040619-C-G. GRCh37 (hg19) VCF-style: chr5-148420182-C-G.
Other names: short protein forms G264R.
Identifiers: ClinVar variation 2046032 (VCV002046032.4), dbSNP rs2531790501, ClinGen allele CA361673869.

ClinVar aggregate classification (germline): Uncertain significance (1 of 4 stars; one submission).

Conditions:
Charcot-Marie-Tooth disease type 4. Also called: Charcot-Marie-Tooth disease, type IV; Charcot-Marie-Tooth, Type 4. Identifiers: Orphanet 64749, MedGen C4082197, MONDO:0018995.

Submission:

Labcorp Genetics (formerly Invitae), Labcorp
Classification: Uncertain significance for Charcot-Marie-Tooth disease type 4. Last evaluated: 2022-07-26. Review status: criteria provided, single submitter. Criteria: Invitae Variant Classification Sherloc (09022015). Collection method: clinical testing. Allele origin: germline.
Comment: Advanced modeling of protein sequence and biophysical properties (such as structural, functional, and spatial information, amino acid conservation, physicochemical variation, residue mobility, and thermodynamic stability) performed at Invitae indicates that this missense variant is not expected to disrupt SH3TC2 protein function. Algorithms developed to predict the effect of sequence changes on RNA splicing suggest that this variant may create or strengthen a splice site. In summary, the available evidence is currently insufficient to determine the role of this variant in disease. Therefore, it has been classified as a Variant of Uncertain Significance. This variant has not been reported in the literature in individuals affected with SH3TC2-related conditions. This variant is not present in population databases (gnomAD no frequency). This sequence change replaces glycine, which is neutral and non-polar, with arginine, which is basic and polar, at codon 264 of the SH3TC2 protein (p.Gly264Arg).